The following is an entry in ClinVar:

NM_015466.4(PTPN23):c.1138C>A (p.Leu380Ile)

Gene: PTPN23 (protein tyrosine phosphatase non-receptor type 23; plus strand). Cytogenetic location: 3p21.31.
Variant type: single nucleotide variant.
Coding change: c.1138C>A on transcript NM_015466.4 (MANE Select); coding-DNA position 1138, C replaced by A.
Protein change: p.Leu380Ile; replaces leucine 380 with isoleucine.
Molecular consequence: missense variant.
Genome position (GRCh38, 1-based): chr3:47,407,909, C>A. VCF-style: chr3-47407909-C-A. GRCh37 (hg19) VCF-style: chr3-47449399-C-A.
Other names: c.760C>A, p.Leu254Ile (NM_001304482.2); short protein forms L254I, L380I.
Identifiers: ClinVar variation 1924172 (VCV001924172.4), dbSNP rs2546243752, ClinGen allele CA352550857.

ClinVar aggregate classification (germline): Uncertain significance (1 of 4 stars; one submission).

Submission:

Labcorp Genetics (formerly Invitae), Labcorp
Classification: Uncertain significance. Last evaluated: 2022-07-06. Review status: criteria provided, single submitter. Criteria: Invitae Variant Classification Sherloc (09022015). Collection method: clinical testing. Allele origin: germline.
Comment: This sequence change replaces leucine, which is neutral and non-polar, with isoleucine, which is neutral and non-polar, at codon 380 of the PTPN23 protein (p.Leu380Ile). This variant is not present in population databases (gnomAD no frequency). This variant has not been reported in the literature in individuals affected with PTPN23-related conditions. Algorithms developed to predict the effect of missense changes on protein structure and function are either unavailable or do not agree on the potential impact of this missense change (SIFT: "Deleterious"; PolyPhen-2: "Not Available"; Align-GVGD: "Class C0"). In summary, the available evidence is currently insufficient to determine the role of this variant in disease. Therefore, it has been classified as a Variant of Uncertain Significance.